The following is an entry in ClinVar:

NM_005378.6(MYCN):c.446C>T (p.Ser149Phe)

Gene: MYCN (MYCN proto-oncogene, bHLH transcription factor; plus strand). Cytogenetic location: 2p24.3.
Variant type: single nucleotide variant.
Coding change: c.446C>T on transcript NM_005378.6 (MANE Select); coding-DNA position 446, C replaced by T.
Protein change: p.Ser149Phe; replaces serine 149 with phenylalanine.
Molecular consequence: missense variant. On other transcripts: 3 prime UTR variant (1), intron variant (1).
Genome position (GRCh38, 1-based): chr2:15,942,510, C>T. VCF-style: chr2-15942510-C-T. GRCh37 (hg19) VCF-style: chr2-16082632-C-T.
Other names: c.446C>T, p.Ser149Phe (NM_001293228.2); c.*381C>T (NM_001293233.2); c.157+1767C>T (NM_001293231.2); short protein forms S149F.
Identifiers: ClinVar variation 2503222 (VCV002503222.6), dbSNP rs1272894812, ClinGen allele CA345930902.
Genomic context (GRCh38, chr2:15,942,510, plus strand): 5'-CCGTGAGCGAGAAGCTGCAGCACGGCCGCGGGCCGCCAACCGCCGGTTCCACCGCCCAGT[C>T]CCCGGGAGCCGGCGCCGCCAGCCCTGCGGGTCGCGGGCACGGCGGGGCTGCGGGAGCCGG-3'
Protein context (NP_005369.2, residues 139-159): GPPTAGSTAQ[Ser149Phe]PGAGAASPAG

ClinVar aggregate classification (germline): Uncertain significance. Review status: criteria provided, multiple submitters, no conflicts (2 of 4 stars). 3 submissions from 3 submitters: Uncertain significance (3). Last evaluated 2025-06-12.

Conditions:
Inborn genetic diseases. Identifiers: MedGen C0950123, MeSH D030342.

Allele frequency attached by ClinVar (database versions not stated): gnomAD exomes 0.00001; gnomAD 0.00002; TOPMed 0.00003.

Submissions (3):

Labcorp Genetics (formerly Invitae), Labcorp
Classification: Uncertain significance. Last evaluated: 2025-06-12. Review status: criteria provided, single submitter. Criteria: Invitae Variant Classification Sherloc (09022015). Collection method: clinical testing. Allele origin: germline.
Comment: This sequence change replaces serine, which is neutral and polar, with phenylalanine, which is neutral and non-polar, at codon 149 of the MYCN protein (p.Ser149Phe). This variant is present in population databases (no rsID available, gnomAD 0.02%). This variant has not been reported in the literature in individuals affected with MYCN-related conditions. ClinVar contains an entry for this variant (Variation ID: 2503222). Invitae Evidence Modeling of protein sequence and biophysical properties (such as structural, functional, and spatial information, amino acid conservation, physicochemical variation, residue mobility, and thermodynamic stability) indicates that this missense variant is not expected to disrupt MYCN protein function with a negative predictive value of 95%. In summary, the available evidence is currently insufficient to determine the role of this variant in disease. Therefore, it has been classified as a Variant of Uncertain Significance.

Ambry Genetics
Classification: Uncertain significance for Inborn genetic diseases. Last evaluated: 2025-06-10. Review status: criteria provided, single submitter. Criteria: Ambry Variant Classification Scheme 2023. Collection method: clinical testing. Allele origin: germline.

GeneDx
Classification: Uncertain significance. Last evaluated: 2024-08-19. Review status: criteria provided, single submitter. Criteria: GeneDx Variant Classification Process June 2021. Collection method: clinical testing. Allele origin: germline.
Comment: In silico analysis indicates that this missense variant does not alter protein structure/function; Has not been previously published as pathogenic or benign to our knowledge